The following is an entry in ClinVar:

ClinVar aggregate classification (germline): Uncertain significance (0 of 4 stars; one submission).

Conditions:
DISP1-related disorder. Also called: DISP1-related condition.

Submission:

PreventionGenetics, part of Exact Sciences
Classification: Uncertain significance for DISP1-related condition. Last evaluated: 2024-06-19. Review status: no assertion criteria provided. Collection method: clinical testing. Allele origin: germline.
Comment: The DISP1 c.511C>T variant is predicted to result in the amino acid substitution p.Pro171Ser. To our knowledge, this variant has not been reported in the literature. This variant is reported in 0.0018% of alleles in individuals of European (Non-Finnish) descent in gnomAD. At this time, the clinical significance of this variant is uncertain due to the absence of conclusive functional and genetic evidence.

NM_001377229.1(DISP1):c.511C>T (p.Pro171Ser)

Gene: DISP1 (dispatched RND transporter family member 1; plus strand). Cytogenetic location: 1q41.
Variant type: single nucleotide variant.
Coding change: c.511C>T on transcript NM_001377229.1 (MANE Select); coding-DNA position 511, C replaced by T.
Protein change: p.Pro171Ser; replaces proline 171 with serine.
Molecular consequence: missense variant. On other transcripts: 5 prime UTR variant (1).
Genome position (GRCh38, 1-based): chr1:222,983,081, C>T. VCF-style: chr1-222983081-C-T. GRCh37 (hg19) VCF-style: chr1-223156423-C-T.
Other names: c.-377C>T (NM_001350630.2); c.511C>T, p.Pro171Ser (NM_001369594.1, NM_001377228.1, NM_032890.5); short protein forms P171S.
Identifiers: ClinVar variation 3352250 (VCV003352250.1).